The following is an entry in ClinVar:

ClinVar aggregate classification (germline): Uncertain significance. Review status: criteria provided, multiple submitters, no conflicts (2 of 4 stars). 2 submissions from 2 submitters: Uncertain significance (2). Last evaluated 2024-03-28.

Conditions:
RYR1-related disorder. Also called: RYR1-related condition; RYR1-related disorders. Identifiers: MedGen CN239331.
Malignant hyperthermia, susceptibility to, 1 (MHS1). Also called: Anesthesia related hyperthermia; Malignant hyperpyrexia; Fulminating hyperpyrexia; Pharmacogenic myopathy; RYR1-Related Malignant Hyperthermia Susceptibility; Malignant hyperthermia suceptibility 1. Identifiers: Orphanet 423, MedGen C2930980, MONDO:0007783, OMIM 145600.

Allele frequency attached by ClinVar (database versions not stated): gnomAD 0.00001; gnomAD exomes 0.00001 and 0.00002; TOPMed 0.00001; ExAC 0.00002.
gnomAD v4.1: 8 of 1,605,830 alleles (0.0005%); highest among the groups gnomAD compares: Admixed American, 0.014%; no homozygotes.

Submissions (2):

Color Diagnostics, LLC DBA Color Health
Classification: Uncertain significance for Malignant hyperthermia, susceptibility to, 1. Last evaluated: 2024-03-28. Review status: criteria provided, single submitter. Criteria: ACMG Guidelines, 2015. Collection method: clinical testing. Allele origin: germline.
Comment: This missense variant replaces leucine with phenylalanine at codon 4487 of the RYR1 protein. Computational prediction suggests that this variant may not impact protein structure and function (internally defined REVEL score threshold <= 0.5, PMID: 27666373). To our knowledge, functional studies have not been reported for this variant. This variant has not been reported in individuals affected with RYR1-related disorders in the literature. This variant has been identified in 5/233840 chromosomes in the general population by the Genome Aggregation Database (gnomAD). The available evidence is insufficient to determine the role of this variant in disease conclusively. Therefore, this variant is classified as a Variant of Uncertain Significance.

Labcorp Genetics (formerly Invitae), Labcorp
Classification: Uncertain significance for RYR1-related disorder. Last evaluated: 2022-07-19. Review status: criteria provided, single submitter. Criteria: Invitae Variant Classification Sherloc (09022015). Collection method: clinical testing. Allele origin: germline.
Comment: This sequence change replaces leucine, which is neutral and non-polar, with phenylalanine, which is neutral and non-polar, at codon 4487 of the RYR1 protein (p.Leu4487Phe). This variant is present in population databases (rs778529262, gnomAD 0.02%). This variant has not been reported in the literature in individuals affected with RYR1-related conditions. ClinVar contains an entry for this variant (Variation ID: 1349218). Advanced modeling of protein sequence and biophysical properties (such as structural, functional, and spatial information, amino acid conservation, physicochemical variation, residue mobility, and thermodynamic stability) performed at Invitae indicates that this missense variant is not expected to disrupt RYR1 protein function. In summary, the available evidence is currently insufficient to determine the role of this variant in disease. Therefore, it has been classified as a Variant of Uncertain Significance.

NM_000540.3(RYR1):c.13459C>T (p.Leu4487Phe)

Gene: RYR1 (ryanodine receptor 1; plus strand). Cytogenetic location: 19q13.2.
Variant type: single nucleotide variant.
Coding change: c.13459C>T on transcript NM_000540.3 (MANE Select); coding-DNA position 13459, C replaced by T.
Protein change: p.Leu4487Phe; replaces leucine 4487 with phenylalanine.
Molecular consequence: missense variant.
Genome position (GRCh38, 1-based): chr19:38,566,932, C>T. VCF-style: chr19-38566932-C-T. GRCh37 (hg19) VCF-style: chr19-39057572-C-T.
Other names: c.13444C>T, p.Leu4482Phe (NM_001042723.2); short protein forms L4482F, L4487F.
Identifiers: ClinVar variation 1349218 (VCV001349218.6), dbSNP rs778529262, ClinGen allele CA059843.